The following is an entry in ClinVar:

NM_004960.4(FUS):c.144A>G (p.Ser48=)

Gene: FUS (FUS RNA binding protein; plus strand). Cytogenetic location: 16p11.2.
Variant type: single nucleotide variant.
Coding change: c.144A>G on transcript NM_004960.4 (MANE Select); coding-DNA position 144, A replaced by G.
Protein change: p.Ser48=; no amino-acid change (serine 48 retained).
Molecular consequence: synonymous variant. On other transcripts: non-coding transcript variant (1).
Genome position (GRCh38, 1-based): chr16:31,182,618, A>G. VCF-style: chr16-31182618-A-G. GRCh37 (hg19) VCF-style: chr16-31193939-A-G.
Other names: c.144A>G, p.Ser48= (NM_001170634.1, NM_001170937.1).
Identifiers: ClinVar variation 2067931 (VCV002067931.8), dbSNP rs80060438, ClinGen allele CA8023450.
Genomic context (GRCh38, chr16:31,182,618, plus strand): 5'-GAGCAGTCAGCCCTACGGACAGCAGAGTTACAGTGGTTATAGCCAGTCCACGGACACTTC[A>G]GGCTATGGCCAGAGCAGCTATTCTTCTTATGGCCAGAGCCAGAACAGTGAGTCTTTCTCA-3'
Protein context (NP_004951.1, residues 38-58): YSGYSQSTDT[Ser48=]GYGQSSYSSY

ClinVar aggregate classification (germline): Benign/Likely benign. Review status: criteria provided, multiple submitters, no conflicts (2 of 4 stars). 4 submissions from 4 submitters: Benign (1); Likely benign (2). 1 of the submissions does not count toward it. Last evaluated 2025-10-06.

Conditions:
Inborn genetic diseases. Identifiers: MedGen C0950123, MeSH D030342.
Amyotrophic lateral sclerosis type 6. Also called: FUS-Related Amyotrophic Laterial Sclerosis; AMYOTROPHIC LATERAL SCLEROSIS 6 WITHOUT FRONTOTEMPORAL DEMENTIA; Amyotrophic lateral sclerosis 6, with or without frontotemporal dementia. Identifiers: Orphanet 275872, Orphanet 803, MedGen C2931786, MONDO:0011951, OMIM 608030.
Tremor, hereditary essential, 4 (ETM4). Identifiers: MedGen C3539195, MONDO:0013888, OMIM 614782.
FUS-related disorder. Also called: FUS-related condition.

Allele frequency attached by ClinVar (database versions not stated): gnomAD exomes 0.00003; ExAC 0.00008; ESP Exome Variant Server 0.00008; gnomAD 0.00033; TOPMed 0.00034; 1000 Genomes Project 0.00060; 1000 Genomes Project 30x 0.00078.
gnomAD v4.1: 91 of 1,614,234 alleles (0.0056%); highest among the groups gnomAD compares: African/African-American, 0.11%; no homozygotes.

Submissions (4):

Labcorp Genetics (formerly Invitae), Labcorp
Classification: Benign for Tremor, hereditary essential, 4; Amyotrophic lateral sclerosis type 6. Last evaluated: 2025-10-06. Review status: criteria provided, single submitter. Criteria: Invitae Variant Classification Sherloc (09022015). Collection method: clinical testing. Allele origin: germline.

Ambry Genetics
Classification: Likely benign for Inborn genetic diseases. Last evaluated: 2025-01-25. Review status: criteria provided, single submitter. Criteria: Ambry Variant Classification Scheme 2023. Collection method: clinical testing. Allele origin: germline.

Blueprint Genetics
Classification: Likely benign. Last evaluated: 2024-10-04. Review status: criteria provided, single submitter. Criteria: ACMG Guidelines, 2015. Collection method: clinical testing. Allele origin: germline.

PreventionGenetics, part of Exact Sciences
Classification: Likely benign for FUS-related condition. Last evaluated: 2024-07-21. Review status: no assertion criteria provided. Collection method: clinical testing. Allele origin: germline. Not counted in ClinVar's aggregate classification.
Comment: This variant is classified as likely benign based on ACMG/AMP sequence variant interpretation guidelines (Richards et al. 2015 PMID: 25741868, with internal and published modifications).